The following is an entry in ClinVar:

ClinVar aggregate classification (germline): Conflicting classifications of pathogenicity. Review status: criteria provided, conflicting classifications (1 of 4 stars). 11 submissions from 9 submitters: Uncertain significance (5); Benign (1); Likely benign (4). 1 of the submissions does not count toward it. Last evaluated 2026-05-26.

Conditions:
KIT-related disorder. Also called: KIT-related condition.
Hereditary cancer-predisposing syndrome. Also called: Neoplastic Syndromes, Hereditary; Hereditary Cancer Syndrome; Tumor predisposition; Hereditary neoplastic syndrome. Identifiers: Orphanet 140162, MedGen C0027672, MeSH D009386, MONDO:0015356.
Mastocytosis. Also called: Mast Cell Disease. Identifiers: Orphanet 98292, MedGen C0024899, MONDO:0007950, HP:0100495.
Gastrointestinal stromal tumor. Also called: Gastrointestinal stroma tumor; Gastrointestinal stromal tumor, somatic. Identifiers: Orphanet 44890, MedGen C0238198, MeSH D046152, MONDO:0011719, OMIM 606764, HP:0100723.
Piebaldism. Also called: Piebald skin depigmentation. Identifiers: Orphanet 2884, MedGen C0080024, MONDO:0008244, OMIM 172800, HP:0007544.

Allele frequency attached by ClinVar (database versions not stated): ESP Exome Variant Server 0.00015; TOPMed 0.00015; gnomAD exomes 0.00016; gnomAD 0.00019.
gnomAD v4.1: 253 of 1,559,830 alleles (0.016%); highest among the groups gnomAD compares: Non-Finnish European, 0.018%; no homozygotes.

Submissions (11):

Myriad Genetics, Inc.
Classification: Likely benign for Gastrointestinal stromal tumor. Last evaluated: 2026-05-26. Review status: criteria provided, single submitter. Criteria: Myriad Autosomal Dominant, Autosomal Recessive and X-Linked Classification Criteria (2023). Collection method: clinical testing. Allele origin: unknown.
Comment: This variant is considered likely benign. This variant has been observed at a population frequency that is significantly greater than expected given the associated disease prevalence and penetrance.

Labcorp Genetics (formerly Invitae), Labcorp
Classification: Likely benign for Gastrointestinal stromal tumor. Last evaluated: 2026-01-26. Review status: criteria provided, single submitter. Criteria: Invitae Variant Classification Sherloc (09022015). Collection method: clinical testing. Allele origin: germline.

Blueprint Genetics
Classification: Likely benign. Last evaluated: 2024-08-30. Review status: criteria provided, single submitter. Criteria: ACMG Guidelines, 2015. Collection method: clinical testing. Allele origin: germline.

Ambry Genetics
Classification: Benign for Hereditary cancer-predisposing syndrome. Last evaluated: 2024-08-20. Review status: criteria provided, single submitter. Criteria: Ambry Variant Classification Scheme 2023. Collection method: clinical testing. Allele origin: germline.

GeneDx
Classification: Uncertain significance. Last evaluated: 2022-08-12. Review status: criteria provided, single submitter. Criteria: GeneDx Variant Classification Process June 2021. Collection method: clinical testing. Allele origin: germline. Affected: yes.
Comment: In silico analysis supports that this missense variant does not alter protein structure/function; Observed in individuals who underwent whole exome sequencing; however, cancer history was not provided (Amendola et al., 2015); This variant is associated with the following publications: (PMID: 7529964, 25637381)

Sema4
Classification: Likely benign for Hereditary cancer-predisposing syndrome. Last evaluated: 2020-11-25. Review status: criteria provided, single submitter. Criteria: Sema4 Curation Guidelines. Collection method: curation. Allele origin: germline.

Illumina Laboratory Services, Illumina
Classification: Uncertain significance for Cutaneous mastocytosis. Last evaluated: 2017-04-27. Review status: criteria provided, single submitter. Criteria: ICSL Variant Classification Criteria 13 December 2019. Collection method: clinical testing. Allele origin: germline.

Illumina Laboratory Services, Illumina
Classification: Uncertain significance for Gastrointestinal stromal tumor. Last evaluated: 2017-04-27. Review status: criteria provided, single submitter. Criteria: ICSL Variant Classification Criteria 13 December 2019. Collection method: clinical testing. Allele origin: germline.

Illumina Laboratory Services, Illumina
Classification: Uncertain significance for Piebaldism. Last evaluated: 2017-04-27. Review status: criteria provided, single submitter. Criteria: ICSL Variant Classification Criteria 13 December 2019. Collection method: clinical testing. Allele origin: germline.
Comment: This variant was observed as part of a predisposition screen in an ostensibly healthy population. A literature search was performed for the gene, cDNA change, and amino acid change (where applicable). Publications were found based on this search. However, the evidence from the literature, in combination with allele frequency data from public databases where available, was not sufficient to rule this variant in or out of causing disease. Therefore, this variant is classified as a variant of unknown significance.

CSER _CC_NCGL, University of Washington
Classification: Uncertain significance for Piebaldism. Last evaluated: 2014-06-01. Review status: criteria provided, single submitter. Criteria: Amendola et al. (Genome Res. 2015). Collection method: research. Allele origin: germline. Inheritance: Autosomal dominant inheritance. Study: ESP 6500 variant annotation.
Comment: Low GERP score may suggest that this variant may belong in a lower pathogenicity class

Variants classified for the Actionable exomic incidental findings in 6503 participants: challenges of variant classification manuscript

PreventionGenetics, part of Exact Sciences
Classification: Likely benign for KIT-related condition. Last evaluated: 2024-04-16. Review status: no assertion criteria provided. Collection method: clinical testing. Allele origin: germline. Not counted in ClinVar's aggregate classification.
Comment: This variant is classified as likely benign based on ACMG/AMP sequence variant interpretation guidelines (Richards et al. 2015 PMID: 25741868, with internal and published modifications).

Literature cited by the submitters: PubMed 7529964 (cited by Sema4 and Illumina Laboratory Services, Illumina).

NM_000222.3(KIT):c.952A>G (p.Met318Val)

Gene: KIT (KIT proto-oncogene, receptor tyrosine kinase; plus strand). Cytogenetic location: 4q12.
Variant type: single nucleotide variant.
Coding change: c.952A>G on transcript NM_000222.3 (MANE Select); coding-DNA position 952, A replaced by G.
Protein change: p.Met318Val; replaces methionine 318 with valine.
Molecular consequence: missense variant.
Genome position (GRCh38, 1-based): chr4:54,707,124, A>G. VCF-style: chr4-54707124-A-G. GRCh37 (hg19) VCF-style: chr4-55573290-A-G.
Other names: c.952A>G, p.Met318Val (NM_001093772.2, NM_001385285.1, NM_001385286.1); c.955A>G, p.Met319Val (NM_001385284.1, NM_001385288.1, NM_001385290.1 and 1 more transcripts); short protein forms M318V, M319V.
Identifiers: ClinVar variation 161260 (VCV000161260.29), dbSNP rs143388949, ClinGen allele CA211569.
Genomic context (GRCh38, chr4:54,707,124, plus strand): 5'-ATGGTTTCTTTCTGTCTTATTTCATTCTAATTAGATAAAGGATTCATTAATATCTTCCCC[A>G]TGATAAACACTACAGTATTTGTAAACGATGGAGAAAATGTAGATTTGATTGTTGAATATG-3'
Protein context (NP_000213.1, residues 308-328): VDKGFINIFP[Met318Val]INTTVFVNDG